The following is an entry in ClinVar:

ClinVar aggregate classification (germline): Uncertain significance (1 of 4 stars; one submission).

Conditions:
Peters plus syndrome. Also called: KRAUSE-KIVLIN SYNDROME. Identifiers: Orphanet 709, MedGen C0796012, MONDO:0009856, OMIM 261540.

Submission:

Labcorp Genetics (formerly Invitae), Labcorp
Classification: Uncertain significance for Peters plus syndrome. Last evaluated: 2023-10-11. Review status: criteria provided, single submitter. Criteria: Invitae Variant Classification Sherloc (09022015). Collection method: clinical testing. Allele origin: germline.
Comment: This variant results in a copy number gain of the genomic region encompassing exon(s) 1-12 of the B3GLCT gene. This region includes the initiator codon of the gene. This copy number gain extends beyond the assayed region for this gene and therefore may encompass additional genes. As the precise location of this event is unknown, it may be in tandem or it may be located elsewhere in the genome. This variant has not been reported in the literature in individuals affected with B3GLCT-related conditions. Experimental studies and prediction algorithms are not available or were not evaluated, and the functional significance of this variant is currently unknown. In summary, the available evidence is currently insufficient to determine the role of this variant in disease. Therefore, it has been classified as a Variant of Uncertain Significance.

NC_000013.10:g.(?_31774222)_(31860976_?)dup

Gene: B3GLCT (beta 3-glucosyltransferase; plus strand). Cytogenetic location: 13q12.3.
Variant type: Duplication.
Identifiers: ClinVar variation 1514759 (VCV001514759.6).